The following is an entry in ClinVar:

NM_003184.4(TAF2):c.1684-5A>T

Gene: TAF2 (TATA-box binding protein associated factor 2; minus strand). Cytogenetic location: 8q24.12.
Variant type: single nucleotide variant.
Coding change: c.1684-5A>T on transcript NM_003184.4 (MANE Select); 5 bases into the intron before coding-DNA position 1684, A replaced by T.
Molecular consequence: intron variant.
Genome position (GRCh38, 1-based): chr8:119,788,452, T>A on the plus strand (A>T on the coding strand, the complement: TAF2 is on the minus strand). VCF-style: chr8-119788452-T-A. GRCh37 (hg19) VCF-style: chr8-120800692-T-A.
Identifiers: ClinVar variation 773223 (VCV000773223.26), dbSNP rs199882528, ClinGen allele CA4857234.
Genomic context (GRCh38, chr8:119,788,452, plus strand): 5'-TGCAGTGTATGATTGAAGGATCCATCTAACTCCTGCACTGTCACTTTAAGTGGTCCCTTT[T>A]AAAAAAAAAACGTACTGTTCAGAGATGTGATTTAAAAAATACCAATATGTATGCTTATGT-3'

ClinVar aggregate classification (germline): Benign. Review status: criteria provided, multiple submitters, no conflicts (2 of 4 stars). 3 submissions from 3 submitters: Benign (3). Last evaluated 2026-07-01.

Allele frequency attached by ClinVar (database versions not stated): TOPMed 0.00689; gnomAD 0.00738 and 0.00761; ExAC 0.00904; gnomAD exomes 0.01070.
gnomAD v4.1: 16,586 of 1,501,734 alleles (1.1%); highest among the groups gnomAD compares: Middle Eastern, 2%; 93 homozygotes.

Submissions (3):

CeGaT Center for Human Genetics Tuebingen
Classification: Benign. Last evaluated: 2026-07-01. Review status: criteria provided, single submitter. Criteria: CeGaT Center For Human Genetics Tuebingen Variant Classification Criteria Version 2. Collection method: clinical testing. Allele origin: germline. Affected: yes. Observed: 39 variant alleles.
Comment: TAF2: BP4, BS1, BS2

Labcorp Genetics (formerly Invitae), Labcorp
Classification: Benign. Last evaluated: 2026-01-25. Review status: criteria provided, single submitter. Criteria: Invitae Variant Classification Sherloc (09022015). Collection method: clinical testing. Allele origin: germline.

Breakthrough Genomics
Classification: Benign. Review status: criteria provided, single submitter. Criteria: ACMG Guidelines, 2015. Collection method: not provided. Allele origin: germline. Inheritance: Autosomal recessive inheritance. Affected: yes.